The following is an entry in ClinVar:

NM_001458.5(FLNC):c.3142C>T (p.Pro1048Ser)

Gene: FLNC (filamin C; plus strand). Cytogenetic location: 7q32.1.
Variant type: single nucleotide variant.
Coding change: c.3142C>T on transcript NM_001458.5 (MANE Select); coding-DNA position 3142, C replaced by T.
Protein change: p.Pro1048Ser; replaces proline 1048 with serine.
Molecular consequence: missense variant.
Genome position (GRCh38, 1-based): chr7:128,844,216, C>T. VCF-style: chr7-128844216-C-T. GRCh37 (hg19) VCF-style: chr7-128484270-C-T.
Other names: c.3142C>T, p.Pro1048Ser (NM_001127487.2); short protein forms P1048S.
Identifiers: ClinVar variation 2100809 (VCV002100809.4), dbSNP rs954785771, ClinGen allele CA166177859.

ClinVar aggregate classification (germline): Uncertain significance (1 of 4 stars; one submission).

Conditions:
Distal myopathy with posterior leg and anterior hand involvement. Also called: WILLIAMS DISTAL MYOPATHY. Identifiers: Orphanet 63273, MedGen C3279722, MONDO:0013550, OMIM 614065.
Myofibrillar myopathy 5. Also called: Filaminopathy (type); FILAMINOPATHY, AUTOSOMAL DOMINANT. Identifiers: Orphanet 171445, MedGen C1836050, MONDO:0012289, OMIM 609524.
Hypertrophic cardiomyopathy 26. Also called: Cardiomyopathy, familial hypertrophic, 26. Identifiers: Orphanet 75249, MedGen C4310749, MONDO:0014883, OMIM 617047.

Submission:

Labcorp Genetics (formerly Invitae), Labcorp
Classification: Uncertain significance for Distal myopathy with posterior leg and anterior hand involvement; Myofibrillar myopathy 5; Hypertrophic cardiomyopathy 26. Last evaluated: 2022-02-21. Review status: criteria provided, single submitter. Criteria: Invitae Variant Classification Sherloc (09022015). Collection method: clinical testing. Allele origin: germline.
Comment: This sequence change replaces proline, which is neutral and non-polar, with serine, which is neutral and polar, at codon 1048 of the FLNC protein (p.Pro1048Ser). This variant is not present in population databases (gnomAD no frequency). In summary, the available evidence is currently insufficient to determine the role of this variant in disease. Therefore, it has been classified as a Variant of Uncertain Significance. Algorithms developed to predict the effect of missense changes on protein structure and function are either unavailable or do not agree on the potential impact of this missense change (SIFT: "Tolerated"; PolyPhen-2: "Possibly Damaging"; Align-GVGD: "Class C0"). This variant has not been reported in the literature in individuals affected with FLNC-related conditions.